The following is an entry in ClinVar:

ClinVar aggregate classification (germline): Conflicting classifications of pathogenicity. Review status: criteria provided, conflicting classifications (1 of 4 stars). 6 submissions from 6 submitters: Pathogenic (3); Likely pathogenic (2); Uncertain significance (1). Last evaluated 2026-06-15.

Conditions:
Retinal dystrophy. Also called: Inherited retinal dystrophy. Identifiers: Orphanet 71862, MedGen C0854723, MeSH D058499, MONDO:0019118, HP:0000556.
Hearing impairment. Also called: Impaired Hearing. Identifiers: MedGen C1384666, MONDO:0005365, HP:0000365.
CIB2-related disorders.
CIB2-related disorder. Also called: CIB2-related condition.
Autosomal recessive nonsyndromic hearing loss 48. Also called: Usher Syndrome Type 1J; Deafness, autosomal recessive 48. Identifiers: Orphanet 231169, Orphanet 886, Orphanet 90636, MedGen C1836199, MONDO:0012273, OMIM 609439.

Allele frequency attached by ClinVar (database versions not stated): gnomAD 0.00002 and 0.00003; gnomAD exomes 0.00002 and 0.00007; ExAC 0.00003; TOPMed 0.00004.
gnomAD v4.1: 110 of 1,613,644 alleles (0.0068%); highest among the groups gnomAD compares: Non-Finnish European, 0.0087%; no homozygotes.

Submissions (7):

PreventionGenetics, part of Exact Sciences
Classification: Uncertain significance for CIB2-related condition. Last evaluated: 2026-06-15. Review status: criteria provided, single submitter. Criteria: ACMG Guidelines, 2015. Collection method: clinical testing. Allele origin: germline.
Comment: The CIB2 c.196C>T variant is predicted to result in the amino acid substitution p.Arg66Trp. This variant has been reported in the homozygous state or with a CIB2 frameshift variant in two unrelated individuals with nonsyndromic hearing loss (Seco et al. 2016. PubMed ID: 26173970; Booth et al. 2018. PubMed ID: 29112224). Experimental studies indicate this variant does not impact protein localization, calcium buffering, or WHRN binding (Seco et al. 2016. PubMed ID: 26173970; Giese et al. 2017. PubMed ID: 28663585; Giese et al. 2025. PubMed ID: 40083274). However, other studies have shown a modest effect on TMC1 binding (Liang et al. 2021. PubMed ID: 34089643; Li et al. 2025. PubMed ID: 40000792). This variant is reported in 0.0044% of alleles in individuals of European (non-Finnish) descent in gnomAD. In ClinVar this variant is interpreted as likely pathogenic or pathogenic (Variation ID: 1064924). Although we suspect that this variant may be pathogenic, at this time, the clinical significance of this variant is uncertain due to the absence of conclusive functional and genetic evidence.

Labcorp Genetics (formerly Invitae), Labcorp
Classification: Pathogenic. Last evaluated: 2025-07-28. Review status: criteria provided, single submitter. Criteria: Invitae Variant Classification Sherloc (09022015). Collection method: clinical testing. Allele origin: germline.
Comment: This sequence change replaces arginine, which is basic and polar, with tryptophan, which is neutral and slightly polar, at codon 66 of the CIB2 protein (p.Arg66Trp). This variant is present in population databases (rs780168150, gnomAD 0.004%). This missense change has been observed in individual(s) with deafness (PMID: 26173970, 29112224). In at least one individual the data is consistent with being in trans (on the opposite chromosome) from a pathogenic variant. It has also been observed to segregate with disease in related individuals. ClinVar contains an entry for this variant (Variation ID: 1064924). An algorithm developed to predict the effect of missense changes on protein structure and function (PolyPhen-2) suggests that this variant is likely to be disruptive. Experimental studies have shown that this missense change does not substantially affect CIB2 function (PMID: 26173970, 28663585). For these reasons, this variant has been classified as Pathogenic.

Fulgent Genetics
Classification: Likely pathogenic for Autosomal recessive nonsyndromic hearing loss 48. Last evaluated: 2024-03-20. Review status: criteria provided, single submitter. Criteria: ACMG Guidelines, 2015. Collection method: clinical testing. Allele origin: germline.

Blueprint Genetics
Classification: Pathogenic for CIB2-related disorders. Last evaluated: 2023-01-20. Review status: criteria provided, single submitter. Criteria: ACMG Guidelines, 2015. Collection method: clinical testing. Allele origin: germline. Affected: yes. Observed: 5 variant alleles.

Institute of Human Genetics, Univ. Regensburg, Univ. Regensburg
Classification: Likely pathogenic for Retinal dystrophy. Last evaluated: 2022-01-01. Review status: criteria provided, single submitter. Criteria: ACMG Guidelines, 2015. Collection method: clinical testing. Allele origin: germline. Affected: yes.

Department of Otolaryngology – Head & Neck Surgery, Cochlear Implant Center
Classification: Pathogenic for Hearing impairment. Last evaluated: 2021-04-12. Review status: criteria provided, single submitter. Criteria: ClinGen HL ACMG Specifications v1. Collection method: clinical testing. Allele origin: germline. Affected: yes.
Comment: PS1_Strong, PM2_Moderate, PP3_Strong

Dr. Peter K. Rogan Lab, Western University
No classification provided (evidence only). Condition: Malignant tumor of esophagus. Review status: no classification provided. Collection method: in vitro. Allele origin: not applicable. Functional consequence: skipped exon. Not counted in ClinVar's aggregate classification.

Literature cited by the submitters: PubMed 26173970 (cited by Labcorp Genetics (formerly Invitae), Labcorp and Institute of Human Genetics, Univ. Regensburg, Univ. Regensburg); PubMed 29112224 (cited by Labcorp Genetics (formerly Invitae), Labcorp); PubMed 28663585 (cited by Labcorp Genetics (formerly Invitae), Labcorp); PubMed 2911222 (cited by Institute of Human Genetics, Univ. Regensburg, Univ. Regensburg).

NM_006383.4(CIB2):c.196C>T (p.Arg66Trp)

Gene: CIB2 (calcium and integrin binding family member 2; minus strand). Cytogenetic location: 15q25.1.
Variant type: single nucleotide variant.
Coding change: c.196C>T on transcript NM_006383.4 (MANE Select); coding-DNA position 196, C replaced by T.
Protein change: p.Arg66Trp; replaces arginine 66 with tryptophan.
Molecular consequence: missense variant. On other transcripts: intron variant (2).
Genome position (GRCh38, 1-based): chr15:78,111,167, G>A on the plus strand (C>T on the coding strand, the complement: CIB2 is on the minus strand). VCF-style: chr15-78111167-G-A. GRCh37 (hg19) VCF-style: chr15-78403509-G-A.
Other names: c.67C>T, p.Arg23Trp (NM_001271888.2); c.52-1785C>T (NM_001271889.2); c.87-1658C>T (NM_001301224.2); short protein forms R23W, R66W.
Identifiers: ClinVar variation 1064924 (VCV001064924.14), dbSNP rs780168150, ClinGen allele CA7680314.
Genomic context (GRCh38, chr15:78,111,167, plus strand): 5'-CTGCTGCTGGTCCAGAGGCACAGATCCCCTGCTCGCCAGCAAGAGGTCCTGCACATACCC[G>A]GAGCTCTGGCATCTGGATGATGAGGCTCATGGGCACGTGGACGATGGGGCTCTTCCTGTA-3'
Protein context (NP_006374.1, residues 56-76): MSLIIQMPEL[Arg66Trp]ENPFKERIVA